The following is an entry in ClinVar:

ClinVar aggregate classification (germline): Uncertain significance (1 of 4 stars; one submission).

Conditions:
Inborn genetic diseases. Identifiers: MedGen C0950123, MeSH D030342.

Allele frequency attached by ClinVar (database versions not stated): ExAC 0.00004; gnomAD 0.00004; TOPMed 0.00009; gnomAD exomes 0.00010; ESP Exome Variant Server 0.00015.

Submission:

Ambry Genetics
Classification: Uncertain significance for Inborn genetic diseases. Last evaluated: 2021-11-16. Review status: criteria provided, single submitter. Criteria: Ambry Variant Classification Scheme 2023. Collection method: clinical testing. Allele origin: germline.
Comment: The c.174-3C>T intronic alteration consists of a C to T substitution 3 nucleotides before exon 3 of the NDUFA13 gene. Based on insufficient or conflicting evidence, the clinical significance of this alteration remains unclear.

NM_015965.7(NDUFA13):c.174-3C>T

Gene: NDUFA13 (NADH:ubiquinone oxidoreductase subunit A13; plus strand). Cytogenetic location: 19p13.11.
Variant type: single nucleotide variant.
Coding change: c.174-3C>T on transcript NM_015965.7 (MANE Select); 3 bases into the intron before coding-DNA position 174, C replaced by T.
Molecular consequence: intron variant.
Genome position (GRCh38, 1-based): chr19:19,527,278, C>T. VCF-style: chr19-19527278-C-T. GRCh37 (hg19) VCF-style: chr19-19638087-C-T.
Identifiers: ClinVar variation 2253936 (VCV002253936.2), dbSNP rs372615599, ClinGen allele CA9327731.
Genomic context (GRCh38, chr19:19,527,278, plus strand): 5'-TGCTGCCTGTGCTCCCCCGACCTAGCCTGGTCTGACCTGAGTGTGGGTTTCGGGCTTTCA[C>T]AGGCGCCTACAAATCGAGGACTTCGAGGCTCGCATCGCGCTGTTGCCACTGTTACAGGCA-3'